The following is an entry in ClinVar:

NM_001040108.2(MLH3):c.3248C>A (p.Thr1083Lys)

Gene: MLH3 (mutL homolog 3; minus strand). Cytogenetic location: 14q24.3.
Variant type: single nucleotide variant.
Coding change: c.3248C>A on transcript NM_001040108.2 (MANE Select); coding-DNA position 3248, C replaced by A.
Protein change: p.Thr1083Lys; replaces threonine 1083 with lysine.
Molecular consequence: missense variant.
Genome position (GRCh38, 1-based): chr14:75,046,408, G>T on the plus strand (C>A on the coding strand, the complement: MLH3 is on the minus strand). VCF-style: chr14-75046408-G-T. GRCh37 (hg19) VCF-style: chr14-75513111-G-T.
Other names: c.3248C>A, p.Thr1083Lys (NM_014381.3); short protein forms T1083K.
Identifiers: ClinVar variation 1007243 (VCV001007243.13), dbSNP rs561184221, ClinGen allele CA7275566.
Genomic context (GRCh38, chr14:75,046,408, plus strand): 5'-CTCATGCACATGAATACTACGTACTTACCATTCTCAAGTACAACATCCACAGCCACAGTT[G>T]TCAGGTCTTTAGTACAAGCAGCCTGAATGTCCTCAGTTGGGGCAATGAATGTGCTGAGTC-3'
Protein context (NP_001035197.1, residues 1073-1093): DIQAACTKDL[Thr1083Lys]TVAVDVVLEN

ClinVar aggregate classification (germline): Uncertain significance. Review status: criteria provided, multiple submitters, no conflicts (2 of 4 stars). 3 submissions from 3 submitters: Uncertain significance (3). Last evaluated 2025-07-30.

Conditions:
MLH3-related disorder. Also called: MLH3-related condition.
Colorectal cancer, hereditary nonpolyposis, type 7. Identifiers: Orphanet 144, MedGen C1858380, MONDO:0013725, OMIM 614385.

Allele frequency attached by ClinVar (database versions not stated): gnomAD exomes 0.00002 and below 0.00001; ExAC 0.00003; 1000 Genomes Project 0.00020; gnomAD 0.00007; TOPMed 0.00008; 1000 Genomes Project 30x 0.00031.
gnomAD v4.1: 17 of 1,614,158 alleles (0.0011%); highest among the groups gnomAD compares: African/African-American, 0.023%; no homozygotes.

Submissions (3):

Labcorp Genetics (formerly Invitae), Labcorp
Classification: Uncertain significance for Colorectal cancer, hereditary nonpolyposis, type 7. Last evaluated: 2025-07-30. Review status: criteria provided, single submitter. Criteria: Invitae Variant Classification Sherloc (09022015). Collection method: clinical testing. Allele origin: germline.
Comment: This sequence change replaces threonine, which is neutral and polar, with lysine, which is basic and polar, at codon 1083 of the MLH3 protein (p.Thr1083Lys). This variant is present in population databases (rs561184221, gnomAD 0.03%). This variant has not been reported in the literature in individuals affected with MLH3-related conditions. ClinVar contains an entry for this variant (Variation ID: 1007243). An algorithm developed to predict the effect of missense changes on protein structure and function (PolyPhen-2) suggests that this variant is likely to be disruptive. In summary, the available evidence is currently insufficient to determine the role of this variant in disease. Therefore, it has been classified as a Variant of Uncertain Significance.

Ambry Genetics
Classification: Uncertain significance. Last evaluated: 2025-04-05. Review status: criteria provided, single submitter. Criteria: Ambry Variant Classification Scheme 2023. Collection method: clinical testing. Allele origin: germline.
Comment: The p.T1083K variant (also known as c.3248C>A), located in coding exon 1 of the MLH3 gene, results from a C to A substitution at nucleotide position 3248. The threonine at codon 1083 is replaced by lysine, an amino acid with similar properties. This amino acid position is highly conserved in available vertebrate species. In addition, this alteration is predicted to be deleterious by in silico analysis. Since supporting evidence is limited at this time, the clinical significance of this alteration remains unclear.

PreventionGenetics, part of Exact Sciences
Classification: Uncertain significance for MLH3-related condition. Last evaluated: 2023-07-31. Review status: criteria provided, single submitter. Criteria: ACMG Guidelines, 2015. Collection method: clinical testing. Allele origin: germline.
Comment: The MLH3 c.3248C>A variant is predicted to result in the amino acid substitution p.Thr1083Lys. To our knowledge, this variant has not been reported in the literature. This variant is reported in 0.032% of alleles in individuals of African descent in gnomAD and is interpreted as uncertain significance in ClinVar. At this time, the clinical significance of this variant is uncertain due to the absence of conclusive functional and genetic evidence.